The following is an entry in ClinVar:

ClinVar aggregate classification (germline): Uncertain significance. Review status: criteria provided, multiple submitters, no conflicts (2 of 4 stars). 5 submissions from 5 submitters: Uncertain significance (4). 1 of the submissions does not count toward it. Last evaluated 2025-12-30.

Conditions:
Hereditary cancer-predisposing syndrome. Also called: Tumor predisposition; Hereditary Cancer Syndrome; Neoplastic Syndromes, Hereditary; Hereditary neoplastic syndrome. Identifiers: Orphanet 140162, MedGen C0027672, MeSH D009386, MONDO:0015356.
Cardiovascular phenotype. Identifiers: MedGen CN230736.
Neurofibromatosis, type 1 (NF1). Also called: Peripheral type neurofibromatosis; VON RECKLINGHAUSEN DISEASE; NEUROFIBROMATOSIS, TYPE I, SOMATIC; Neurofibromatosis, type I. Identifiers: Orphanet 636, MedGen C0027831, MONDO:0018975, OMIM 162200. Disease mechanism: loss of function.
Juvenile myelomonocytic leukemia (JMML). Also called: LEUKEMIA, JUVENILE MYELOMONOCYTIC, SOMATIC. Identifiers: Orphanet 86834, MedGen C0349639, MONDO:0011908, OMIM 607785, HP:0012209.

gnomAD v4.1: 3 of 1,602,078 alleles (0.00019%); highest among the groups gnomAD compares: Non-Finnish European, 0.00026%; no homozygotes.

Submissions (5):

Labcorp Genetics (formerly Invitae), Labcorp
Classification: Uncertain significance for Neurofibromatosis, type 1. Last evaluated: 2025-12-30. Review status: criteria provided, single submitter. Criteria: Invitae Variant Classification Sherloc (09022015). Collection method: clinical testing. Allele origin: germline.
Comment: This sequence change replaces valine, which is neutral and non-polar, with leucine, which is neutral and non-polar, at codon 1432 of the NF1 protein (p.Val1432Leu). This variant is not present in population databases (gnomAD no frequency). This missense change has been observed in individual(s) with neurofibromatosis and clinical features of Noonan syndrome (PMID: 16380919). ClinVar contains an entry for this variant (Variation ID: 68349). Invitae Evidence Modeling of protein sequence and biophysical properties (such as structural, functional, and spatial information, amino acid conservation, physicochemical variation, residue mobility, and thermodynamic stability) indicates that this missense variant is expected to disrupt NF1 protein function with a positive predictive value of 95%. In summary, the available evidence is currently insufficient to determine the role of this variant in disease. Therefore, it has been classified as a Variant of Uncertain Significance.

Ambry Genetics
Classification: Uncertain significance for Cardiovascular phenotype; Hereditary cancer-predisposing syndrome. Last evaluated: 2025-12-01. Review status: criteria provided, single submitter. Criteria: Ambry Variant Classification Scheme 2023. Collection method: clinical testing. Allele origin: germline.
Comment: The p.V1432L variant (also known as c.4294G>C), located in coding exon 32 of the NF1 gene, results from a G to C substitution at nucleotide position 4294. The valine at codon 1432 is replaced by leucine, an amino acid with highly similar properties. This variant was reported in individual(s) with features consistent with neurofibromatosis type 1 (NF1) (De Luca A et al. Am J Hum Genet, 2005 Dec;77:1092-101). This amino acid position is highly conserved in available vertebrate species. In addition, this alteration is predicted to be deleterious by in silico analysis. Based on the available evidence, the clinical significance of this variant remains unclear.

GeneDx
Classification: Uncertain significance. Last evaluated: 2024-11-07. Review status: criteria provided, single submitter. Criteria: GeneDx Variant Classification Process June 2021. Collection method: clinical testing. Allele origin: germline. Affected: yes.
Comment: Not observed at significant frequency in large population cohorts (gnomAD); In silico analysis indicates that this missense variant does not alter protein structure/function; This variant is associated with the following publications: (PMID: 30104198, 25486365, 22807134, 31159747, 16380919)

Baylor Genetics
Classification: Uncertain significance for Juvenile myelomonocytic leukemia. Last evaluated: 2024-02-18. Review status: criteria provided, single submitter. Criteria: ACMG Guidelines, 2015. Collection method: clinical testing. Allele origin: unknown.

UniProtKB/Swiss-Prot
No classification provided. Review status: no classification provided. Collection method: not provided. Allele origin: not provided. Not counted in ClinVar's aggregate classification.

Literature cited by the submitters: PubMed 16380919 (cited by Labcorp Genetics (formerly Invitae), Labcorp and Ambry Genetics).

NM_001042492.3(NF1):c.4357G>C (p.Val1453Leu)

Gene: NF1 (neurofibromin 1; plus strand). Cytogenetic location: 17q11.2.
Variant type: single nucleotide variant.
Coding change: c.4357G>C on transcript NM_001042492.3 (MANE Select); coding-DNA position 4357, G replaced by C.
Protein change: p.Val1453Leu; replaces valine 1453 with leucine.
Molecular consequence: missense variant.
Genome position (GRCh38, 1-based): chr17:31,259,056, G>C. VCF-style: chr17-31259056-G-C. GRCh37 (hg19) VCF-style: chr17-29586074-G-C.
Other names: c.4294G>C, p.Val1432Leu (NM_000267.4); short protein forms V1432L, V1453L.
Identifiers: ClinVar variation 68349 (VCV000068349.9), dbSNP rs199474755, ClinGen allele CA219578.